The following is an entry in ClinVar:

ClinVar aggregate classification (germline): Pathogenic/Likely pathogenic. Review status: criteria provided, multiple submitters, no conflicts (2 of 4 stars). 2 submissions from 2 submitters: Pathogenic (1); Likely pathogenic (1). Last evaluated 2024-01-19.

Conditions:
Familial cancer of breast. Also called: hereditary breast carcinoma; BREAST CANCER, FAMILIAL; Hereditary breast cancer. Identifiers: Orphanet 227535, MedGen C0346153, MONDO:0016419, OMIM 114480. Disease mechanism: loss of function.

Submissions (2):

Myriad Genetics, Inc.
Classification: Pathogenic for Familial cancer of breast. Last evaluated: 2024-01-19. Review status: criteria provided, single submitter. Criteria: Myriad Autosomal Dominant, Autosomal Recessive and X-Linked Classification Criteria (2023). Collection method: clinical testing. Allele origin: unknown.
Comment: This variant is considered pathogenic. This variant creates a termination codon and is predicted to result in premature protein truncation.

Baylor Genetics
Classification: Likely pathogenic for Familial cancer of breast. Last evaluated: 2023-06-30. Review status: criteria provided, single submitter. Criteria: ACMG Guidelines, 2015. Collection method: clinical testing. Allele origin: unknown.

NM_000051.4(ATM):c.3167C>G (p.Ser1056Ter)

Gene: ATM (ATM serine/threonine kinase; plus strand). Cytogenetic location: 11q22.3.
Variant type: single nucleotide variant.
Coding change: c.3167C>G on transcript NM_000051.4 (MANE Select); coding-DNA position 3167, C replaced by G.
Protein change: p.Ser1056Ter; replaces serine 1056 with a stop codon.
Molecular consequence: nonsense.
Genome position (GRCh38, 1-based): chr11:108,272,735, C>G. VCF-style: chr11-108272735-C-G. GRCh37 (hg19) VCF-style: chr11-108143462-C-G.
Other names: c.3167C>G, p.Ser1056Ter (NM_001351834.2); short protein forms S1056*.
Identifiers: ClinVar variation 2679701 (VCV002679701.2), dbSNP rs1565428419, ClinGen allele CA382515553.
Genomic context (GRCh38, chr11:108,272,735, plus strand): 5'-AGTAATTTTTCTCTATTTCATATTTAACCACAGTTCTTTTCCCGTAGGCTGATCCTTATT[C>G]AAAATGGGCCATTCTTAATGTAATGGGAAAAGACTTTCCTGTAAATGAAGTATTTACACA-3'